The following is an entry in ClinVar:

NM_001112741.2(KCNC1):c.1385G>A (p.Arg462Gln)

Gene: KCNC1 (potassium voltage-gated channel subfamily C member 1; plus strand). Cytogenetic location: 11p15.1.
Variant type: single nucleotide variant.
Coding change: c.1385G>A on transcript NM_001112741.2 (MANE Select); coding-DNA position 1385, G replaced by A.
Protein change: p.Arg462Gln; replaces arginine 462 with glutamine.
Molecular consequence: missense variant.
Genome position (GRCh38, 1-based): chr11:17,772,479, G>A. VCF-style: chr11-17772479-G-A. GRCh37 (hg19) VCF-style: chr11-17794026-G-A.
Other names: c.1385G>A, p.Arg462Gln (NM_004976.4); short protein forms R462Q.
Identifiers: ClinVar variation 1431375 (VCV001431375.6), dbSNP rs200123434, ClinGen allele CA5906804.

ClinVar aggregate classification (germline): Uncertain significance (1 of 4 stars; one submission).

Conditions:
Progressive myoclonic epilepsy type 7. Identifiers: Orphanet 435438, MedGen C4015420, MONDO:0014521, OMIM 616187.

Allele frequency attached by ClinVar (database versions not stated): gnomAD exomes 0.00004 and 0.00008; ExAC 0.00005; gnomAD 0.00005.
gnomAD v4.1: 63 of 1,614,048 alleles (0.0039%); highest among the groups gnomAD compares: East Asian, 0.0022%; no homozygotes.

Submission:

Labcorp Genetics (formerly Invitae), Labcorp
Classification: Uncertain significance for Progressive myoclonic epilepsy type 7. Last evaluated: 2024-05-10. Review status: criteria provided, single submitter. Criteria: Invitae Variant Classification Sherloc (09022015). Collection method: clinical testing. Allele origin: germline.
Comment: This sequence change replaces arginine, which is basic and polar, with glutamine, which is neutral and polar, at codon 462 of the KCNC1 protein (p.Arg462Gln). This variant is present in population databases (rs200123434, gnomAD 0.07%), and has an allele count higher than expected for a pathogenic variant. This variant has not been reported in the literature in individuals affected with KCNC1-related conditions. ClinVar contains an entry for this variant (Variation ID: 1431375). Advanced modeling of protein sequence and biophysical properties (such as structural, functional, and spatial information, amino acid conservation, physicochemical variation, residue mobility, and thermodynamic stability) performed at Invitae indicates that this missense variant is not expected to disrupt KCNC1 protein function with a negative predictive value of 80%. In summary, the available evidence is currently insufficient to determine the role of this variant in disease. Therefore, it has been classified as a Variant of Uncertain Significance.